The following is an entry in ClinVar:

NM_000535.7(PMS2):c.1245G>A (p.Val415=)

Gene: PMS2 (PMS1 homolog 2, mismatch repair system component; minus strand). Cytogenetic location: 7p22.1.
Variant type: single nucleotide variant.
Coding change: c.1245G>A on transcript NM_000535.7 (MANE Select); coding-DNA position 1245, G replaced by A.
Protein change: p.Val415=; no amino-acid change (valine 415 retained).
Molecular consequence: synonymous variant. On other transcripts: non-coding transcript variant (1).
Genome position (GRCh38, 1-based): chr7:5,987,520, C>T on the plus strand (G>A on the coding strand, the complement: PMS2 is on the minus strand). VCF-style: chr7-5987520-C-T. GRCh37 (hg19) VCF-style: chr7-6027151-C-T.
Other names: c.927G>A, p.Val309= (NM_001322008.2, NM_001322007.2); c.840G>A, p.Val280= (NM_001322009.2, NM_001322003.2, NM_001322004.2 and 1 more transcripts); c.684G>A, p.Val228= (NM_001322010.2); c.312G>A, p.Val104= (NM_001322011.2, NM_001322012.2); c.672G>A, p.Val224= (NM_001322013.2); c.1245G>A, p.Val415= (NM_001322014.2); c.936G>A, p.Val312= (NM_001322015.2); c.1089G>A, p.Val363= (NM_001322006.2).
Identifiers: ClinVar variation 382707 (VCV000382707.29), dbSNP rs370701800, ClinGen allele CA042784.

ClinVar aggregate classification (germline): Benign/Likely benign. Review status: criteria provided, multiple submitters, no conflicts (2 of 4 stars). 9 submissions from 9 submitters: Benign (1); Likely benign (8). Last evaluated 2025-03-04.

Conditions:
Hereditary cancer-predisposing syndrome. Also called: Hereditary Cancer Syndrome; Hereditary neoplastic syndrome; Neoplastic Syndromes, Hereditary; Tumor predisposition. Identifiers: Orphanet 140162, MedGen C0027672, MeSH D009386, MONDO:0015356.
Hereditary nonpolyposis colorectal neoplasms. Identifiers: MedGen C0009405, MeSH D003123.
Lynch syndrome 4 (LYNCH4). Also called: Colorectal cancer, hereditary nonpolyposis, type 4; Hereditary non-polyposis colorectal cancer, type 4. Identifiers: Orphanet 144, MedGen C1838333, MONDO:0013699, OMIM 614337. Disease mechanism: loss of function.
Lynch syndrome. Identifiers: Orphanet 144, MedGen C4552100, MONDO:0005835. Disease mechanism: loss of function.

Allele frequency attached by ClinVar (database versions not stated): gnomAD exomes below 0.00001; ExAC 0.00001; ESP Exome Variant Server 0.00008.
gnomAD v4.1: 5 of 1,614,180 alleles (0.00031%); highest among the groups gnomAD compares: Non-Finnish European, 0.00042%; no homozygotes.

Submissions (9):

Center for Genomic Medicine, Rigshospitalet, Copenhagen University Hospital
Classification: Likely benign. Last evaluated: 2025-03-04. Review status: criteria provided, single submitter. Criteria: ACMG Guidelines, 2015. Collection method: clinical testing. Allele origin: germline.

Myriad Genetics, Inc.
Classification: Benign for Lynch syndrome 4. Last evaluated: 2025-01-30. Review status: criteria provided, single submitter. Criteria: Myriad Autosomal Dominant, Autosomal Recessive and X-Linked Classification Criteria (2023). Collection method: clinical testing. Allele origin: unknown.
Comment: This variant is considered benign. This variant is a silent/synonymous amino acid change and it is not expected to impact splicing.

Labcorp Genetics (formerly Invitae), Labcorp
Classification: Likely benign for Hereditary nonpolyposis colorectal neoplasms. Last evaluated: 2024-05-15. Review status: criteria provided, single submitter. Criteria: Invitae Variant Classification Sherloc (09022015). Collection method: clinical testing. Allele origin: germline.

All of Us Research Program, National Institutes of Health
Classification: Likely benign for Lynch syndrome. Last evaluated: 2024-01-03. Review status: criteria provided, single submitter. Criteria: ACMG Guidelines, 2015. Collection method: clinical testing. Allele origin: germline. Inheritance: Autosomal dominant inheritance. Observed: 1 variant allele, 1 heterozygote.
Comment: This study involves interpretation of variants in research participants for the purpose of population health screening. Participant phenotype was not available at the time of variant classification. Additional details can be found in publication PMID: 35346344, PMCID: PMC8962531

Department of Pathology and Laboratory Medicine, Sinai Health System
Classification: Likely benign for Lynch syndrome 4. Last evaluated: 2023-07-18. Review status: criteria provided, single submitter. Criteria: ACMG Guidelines, 2015. Collection method: clinical testing. Allele origin: germline. Affected: yes.

Genetic Services Laboratory, University of Chicago
Classification: Likely benign. Last evaluated: 2021-06-07. Review status: criteria provided, single submitter. Criteria: ACMG Guidelines, 2015. Collection method: clinical testing. Allele origin: germline. Affected: no.

Color Diagnostics, LLC DBA Color Health
Classification: Likely benign for Hereditary cancer-predisposing syndrome. Last evaluated: 2020-09-27. Review status: criteria provided, single submitter. Criteria: ACMG Guidelines, 2015. Collection method: clinical testing. Allele origin: germline.

Ambry Genetics
Classification: Likely benign for Hereditary cancer-predisposing syndrome. Last evaluated: 2018-01-19. Review status: criteria provided, single submitter. Criteria: Ambry Variant Classification Scheme 2023. Collection method: clinical testing. Allele origin: germline.

GeneDx
Classification: Likely benign. Last evaluated: 2015-12-29. Review status: criteria provided, single submitter. Criteria: GeneDx Variant Classification (06012015). Collection method: clinical testing. Allele origin: germline. Affected: yes.
Comment: This variant is considered likely benign or benign based on one or more of the following criteria: it is a conservative change, it occurs at a poorly conserved position in the protein, it is predicted to be benign by multiple in silico algorithms, and/or has population frequency not consistent with disease.